The following is an entry in ClinVar:

NM_015971.4(MRPS7):c.62G>A (p.Arg21Gln)

Genes: GGA3 (golgi associated, gamma adaptin ear containing, ARF binding protein 3; minus strand), MRPS7 (mitochondrial ribosomal protein S7; plus strand). Cytogenetic location: 17q25.1.
Variant type: single nucleotide variant.
Coding change: c.62G>A on transcript NM_015971.4 (MANE Select); coding-DNA position 62, G replaced by A.
Protein change: p.Arg21Gln; replaces arginine 21 with glutamine.
Molecular consequence: missense variant. On other transcripts: intron variant (2).
Genome position (GRCh38, 1-based): chr17:75,261,962, G>A. VCF-style: chr17-75261962-G-A. GRCh37 (hg19) VCF-style: chr17-73258043-G-A.
Other names: c.-228+320C>T (NM_001172704.3); c.-177+320C>T (NM_001172703.3); short protein forms R21Q.
Identifiers: ClinVar variation 2887868 (VCV002887868.4), dbSNP rs560582238, ClinGen allele CA8760181.
Genomic context (GRCh38, chr17:75,261,962, plus strand): 5'-TGGCTGCCCCCGCAGTGAAGGTTGCCCGAGGATGGTCGGGCCTGGCGTTGGGCGTGCGGC[G>A]GGCTGTCTTGCAGCTTCCAGGGTGAGAGGGTGGCGAGCAGCGGCGGGGGGGCGCTGCGAG-3'
Protein context (NP_057055.2, residues 11-31): GWSGLALGVR[Arg21Gln]AVLQLPGLTQ

ClinVar aggregate classification (germline): Uncertain significance. Review status: criteria provided, multiple submitters, no conflicts (2 of 4 stars). 2 submissions from 2 submitters: Uncertain significance (2). Last evaluated 2025-03-07.

Allele frequency attached by ClinVar (database versions not stated): ExAC 0.00001; gnomAD 0.00001; gnomAD exomes 0.00001; TOPMed 0.00001.
gnomAD v4.1: 15 of 1,606,592 alleles (0.00093%); highest among the groups gnomAD compares: East Asian, 0.0022%; no homozygotes.

Submissions (2):

Ambry Genetics
Classification: Uncertain significance. Last evaluated: 2025-03-07. Review status: criteria provided, single submitter. Criteria: Ambry Variant Classification Scheme 2023. Collection method: clinical testing. Allele origin: germline.

Labcorp Genetics (formerly Invitae), Labcorp
Classification: Uncertain significance. Last evaluated: 2023-12-22. Review status: criteria provided, single submitter. Criteria: Invitae Variant Classification Sherloc (09022015). Collection method: clinical testing. Allele origin: germline.
Comment: This sequence change replaces arginine, which is basic and polar, with glutamine, which is neutral and polar, at codon 21 of the MRPS7 protein (p.Arg21Gln). The frequency data for this variant in the population databases is considered unreliable, as metrics indicate poor data quality at this position in the gnomAD database. This variant has not been reported in the literature in individuals affected with MRPS7-related conditions. An algorithm developed to predict the effect of missense changes on protein structure and function (PolyPhen-2) suggests that this variant is likely to be tolerated. In summary, the available evidence is currently insufficient to determine the role of this variant in disease. Therefore, it has been classified as a Variant of Uncertain Significance.